The following is an entry in ClinVar:

ClinVar aggregate classification (germline): Uncertain significance. Review status: criteria provided, multiple submitters, no conflicts (2 of 4 stars). 2 submissions from 2 submitters: Uncertain significance (2). Last evaluated 2025-03-04.

Conditions:
Inborn genetic diseases. Identifiers: MedGen C0950123, MeSH D030342.

Allele frequency attached by ClinVar (database versions not stated): gnomAD exomes below 0.00001.
gnomAD v4.1: 1 of 1,566,780 alleles (0.000064%); highest among the groups gnomAD compares: Non-Finnish European, 0.000086%; no homozygotes.

Submissions (2):

Center for Genomic Medicine, Rigshospitalet, Copenhagen University Hospital
Classification: Uncertain significance. Last evaluated: 2025-03-04. Review status: criteria provided, single submitter. Criteria: ACMG Guidelines, 2015. Collection method: clinical testing. Allele origin: germline.

Ambry Genetics
Classification: Uncertain significance for Inborn genetic diseases. Last evaluated: 2021-09-24. Review status: criteria provided, single submitter. Criteria: Ambry Variant Classification Scheme 2023. Collection method: clinical testing. Allele origin: germline.
Comment: The p.E457K variant (also known as c.1369G>A), located in coding exon 10 of the ACD gene, results from a G to A substitution at nucleotide position 1369. The glutamic acid at codon 457 is replaced by lysine, an amino acid with similar properties. This amino acid position is conserved. In addition, this alteration is predicted to be tolerated by in silico analysis. Since supporting evidence is limited at this time, the clinical significance of this alteration remains unclear.

NM_001082486.2(ACD):c.1111G>A (p.Glu371Lys)

Gene: ACD (ACD shelterin complex subunit and telomerase recruitment factor; minus strand). Cytogenetic location: 16q22.1.
Variant type: single nucleotide variant.
Coding change: c.1111G>A on transcript NM_001082486.2 (MANE Select); coding-DNA position 1111, G replaced by A.
Protein change: p.Glu371Lys; replaces glutamic acid 371 with lysine.
Molecular consequence: missense variant.
Genome position (GRCh38, 1-based): chr16:67,658,081, C>T on the plus strand (G>A on the coding strand, the complement: ACD is on the minus strand). VCF-style: chr16-67658081-C-T. GRCh37 (hg19) VCF-style: chr16-67691984-C-T.
Other names: c.1024G>A, p.Glu342Lys (NM_001410884.1); c.1102G>A, p.Glu368Lys (NM_022914.3); short protein forms E342K, E371K, E368K.
Identifiers: ClinVar variation 1770997 (VCV001770997.5), dbSNP rs2543598584, ClinGen allele CA396352078.